The following is an entry in ClinVar:

NM_001040108.2(MLH3):c.191A>C (p.Asp64Ala)

Gene: MLH3 (mutL homolog 3; minus strand). Cytogenetic location: 14q24.3.
Variant type: single nucleotide variant.
Coding change: c.191A>C on transcript NM_001040108.2 (MANE Select); coding-DNA position 191, A replaced by C.
Protein change: p.Asp64Ala; replaces aspartic acid 64 with alanine.
Molecular consequence: missense variant.
Genome position (GRCh38, 1-based): chr14:75,049,465, T>G on the plus strand (A>C on the coding strand, the complement: MLH3 is on the minus strand). VCF-style: chr14-75049465-T-G. GRCh37 (hg19) VCF-style: chr14-75516168-T-G.
Other names: c.191A>C, p.Asp64Ala (NM_014381.3); short protein forms D64A.
Identifiers: ClinVar variation 4055485 (VCV004055485.1).

ClinVar aggregate classification (germline): Uncertain significance (1 of 4 stars; one submission).

Submission:

Ambry Genetics
Classification: Uncertain significance. Last evaluated: 2025-04-17. Review status: criteria provided, single submitter. Criteria: Ambry Variant Classification Scheme 2023. Collection method: clinical testing. Allele origin: germline.
Comment: The p.D64A variant (also known as c.191A>C), located in coding exon 1 of the MLH3 gene, results from an A to C substitution at nucleotide position 191. The aspartic acid at codon 64 is replaced by alanine, an amino acid with dissimilar properties. This amino acid position is conserved. In addition, the in silico prediction for this alteration is inconclusive. Based on the available evidence, the clinical significance of this variant remains unclear.